The following is an entry in ClinVar:

ClinVar aggregate classification (germline): Conflicting classifications of pathogenicity. Review status: criteria provided, conflicting classifications (1 of 4 stars). 13 submissions from 13 submitters: Uncertain significance (5); Likely benign (7). 1 of the submissions does not count toward it. Last evaluated 2026-02-03.

Conditions:
Inborn genetic diseases. Identifiers: MedGen C0950123, MeSH D030342.
LAMA2-related muscular dystrophy (LAMA2-RD). Also called: Laminin alpha 2-related dystrophy. Identifiers: MedGen C5679788, MONDO:0100228.
Congenital muscular dystrophy due to partial LAMA2 deficiency. Identifiers: MedGen C1842898.
Intellectual disability. Also called: Intellectual developmental disorder; Intellectual functioning disability; intellectual disabilities. Identifiers: MedGen C3714756, MeSH D008607, MONDO:0001071, HP:0001249.

Allele frequency attached by ClinVar (database versions not stated): 1000 Genomes Project 30x 0.00016; 1000 Genomes Project 0.00020; gnomAD exomes 0.00053 and 0.00092; gnomAD 0.00063; TOPMed 0.00068; ExAC 0.00073; ESP Exome Variant Server 0.00085.
gnomAD v4.1: 1,440 of 1,614,006 alleles (0.089%); highest among the groups gnomAD compares: Non-Finnish European, 0.11%; 2 homozygotes.

Submissions (13):

Women's Health and Genetics/Laboratory Corporation of America, LabCorp
Classification: Uncertain significance. Last evaluated: 2026-02-03. Review status: criteria provided, single submitter. Criteria: LabCorp Variant Classification Summary - May 2015. Collection method: clinical testing. Allele origin: germline.
Comment: Variant summary: LAMA2 c.6128A>G (p.Gln2043Arg) results in a conservative amino acid change located in the Laminin domain II (IPR010307) of the encoded protein sequence. Algorithms developed to predict the effect of missense changes on protein structure and function all suggest that this variant is likely to be tolerated. The variant allele was found at a frequency of 0.00053 in 250812 control chromosomes, predominantly at a frequency of 0.00092 within the Non-Finnish European subpopulation in the gnomAD database. This frequency is not significantly higher than estimated for disease-causing variants in LAMA2, allowing no conclusion about variant significance. To our knowledge, no occurrence of c.6128A>G in individuals affected with LAMA2-related conditions and no experimental evidence demonstrating its impact on protein function have been reported. ClinVar contains an entry for this variant (Variation ID: 235327). Based on the evidence outlined above, the variant was classified as uncertain significance.

CeGaT Center for Human Genetics Tuebingen
Classification: Likely benign. Last evaluated: 2026-02-01. Review status: criteria provided, single submitter. Criteria: CeGaT Center For Human Genetics Tuebingen Variant Classification Criteria Version 2. Collection method: clinical testing. Allele origin: germline. Affected: yes. Observed: 1 variant allele.
Comment: LAMA2: BP4, BS1

Labcorp Genetics (formerly Invitae), Labcorp
Classification: Likely benign for LAMA2-related muscular dystrophy. Last evaluated: 2026-02-01. Review status: criteria provided, single submitter. Criteria: Invitae Variant Classification Sherloc (09022015). Collection method: clinical testing. Allele origin: germline.

Athena Diagnostics
Classification: Uncertain significance. Last evaluated: 2025-08-26. Review status: criteria provided, single submitter. Criteria: Athena Diagnostics Criteria. Collection method: clinical testing. Allele origin: unknown.
Comment: Available data are insufficient to determine the clinical significance of the variant at this time. The frequency of this variant in the general population is uninformative in assessment of its pathogenicity. Polyphen and MutationTaster predict this amino acid change may be benign.

Mayo Clinic Laboratories, Mayo Clinic
Classification: Likely benign. Last evaluated: 2025-08-13. Review status: criteria provided, single submitter. Criteria: ACMG Guidelines, 2015. Collection method: clinical testing. Allele origin: germline. Observed: 6 variant alleles.
Comment: BS1, BP4_moderate

Ambry Genetics
Classification: Likely benign for Inborn genetic diseases. Last evaluated: 2025-03-24. Review status: criteria provided, single submitter. Criteria: Ambry Variant Classification Scheme 2023. Collection method: clinical testing. Allele origin: germline.

Blueprint Genetics
Classification: Likely benign. Last evaluated: 2024-11-07. Review status: criteria provided, single submitter. Criteria: ACMG Guidelines, 2015. Collection method: clinical testing. Allele origin: germline.

Revvity Omics, Revvity
Classification: Likely benign. Last evaluated: 2023-05-23. Review status: criteria provided, single submitter. Criteria: ACMG Guidelines, 2015. Collection method: clinical testing. Allele origin: germline.

Cambridge Genomics Laboratory, East Genomic Laboratory Hub, NHS Genomic Medicine Service
Classification: Uncertain significance for Intellectual disability. Last evaluated: 2020-04-21. Review status: criteria provided, single submitter. Criteria: ACGS Best Practice Guidelines for Variant Classification in Rare Disease 2020. Collection method: clinical testing. Allele origin: germline. Affected: yes. Observed: 1 variant allele.

GeneDx
Classification: Likely benign. Last evaluated: 2018-07-11. Review status: criteria provided, single submitter. Criteria: GeneDx Variant Classification Process June 2021. Collection method: clinical testing. Allele origin: germline. Affected: yes.

Illumina Laboratory Services, Illumina
Classification: Uncertain significance for Congenital muscular dystrophy due to partial LAMA2 deficiency. Last evaluated: 2018-01-13. Review status: criteria provided, single submitter. Criteria: ICSL Variant Classification Criteria 13 December 2019. Collection method: clinical testing. Allele origin: germline.

Center for Pediatric Genomic Medicine, Children's Mercy Hospital and Clinics
Classification: Uncertain significance. Last evaluated: 2015-12-23. Review status: criteria provided, single submitter. Criteria: ACMG Guidelines, 2015. Collection method: clinical testing. Allele origin: germline.
ClinVar note: Converted during submission from Uncertain Significance to Uncertain significance.

Clinical Molecular Genetics Laboratory, Johns Hopkins All Children's Hospital
Classification: Uncertain significance. Last evaluated: 2017-06-20. Review status: no assertion criteria provided. Collection method: clinical testing. Allele origin: germline. Not counted in ClinVar's aggregate classification.

NM_000426.4(LAMA2):c.6128A>G (p.Gln2043Arg)

Genes: LAMA2 (laminin subunit alpha 2; plus strand), LOC123864065 (Sharpr-MPRA regulatory region 661; plus strand). Cytogenetic location: 6q22.33.
Variant type: single nucleotide variant.
Coding change: c.6128A>G on transcript NM_000426.4 (MANE Select); coding-DNA position 6128, A replaced by G.
Protein change: p.Gln2043Arg; replaces glutamine 2043 with arginine.
Molecular consequence: missense variant.
Genome position (GRCh38, 1-based): chr6:129,440,858, A>G. VCF-style: chr6-129440858-A-G. GRCh37 (hg19) VCF-style: chr6-129762003-A-G.
Other names: c.6128A>G, p.Gln2043Arg (NM_001079823.2); short protein forms Q2043R.
Identifiers: ClinVar variation 235327 (VCV000235327.34), dbSNP rs144155507, ClinGen allele CA3994114.
Genomic context (GRCh38, chr6:129,440,858, plus strand): 5'-ACCCTCATCTGCTGACAGATACAGCTGCTAAACTGCAAGCTGTTAAGGACAAAGCCAGAC[A>G]AGCCAACGACACAGCTAAAGATGTACTGGCACAGATTACAGAGCTCCACCAGAACCTCGA-3'
Protein context (NP_000417.3, residues 2033-2053): KLQAVKDKAR[Gln2043Arg]ANDTAKDVLA